The following is an entry in ClinVar:

ClinVar aggregate classification (germline): Uncertain significance. Review status: criteria provided, multiple submitters, no conflicts (2 of 4 stars). 2 submissions from 2 submitters: Uncertain significance (2). Last evaluated 2024-12-17.

Conditions:
Hereditary breast ovarian cancer syndrome. Also called: BRCA1- and BRCA2-Associated Hereditary Breast and Ovarian Cancer; Hereditary breast and ovarian cancer; Hereditary breast and ovarian cancer syndrome (HBOC); Breast and ovarian cancer; Hereditary breast and ovarian cancer syndrome; Hereditary breast and/or ovarian cancer syndrome. Identifiers: Orphanet 145, MedGen C0677776, MeSH D061325, MONDO:0003582. Disease mechanism: loss of function.
Hereditary cancer-predisposing syndrome. Also called: Hereditary neoplastic syndrome; Tumor predisposition; Hereditary Cancer Syndrome; Neoplastic Syndromes, Hereditary. Identifiers: Orphanet 140162, MedGen C0027672, MeSH D009386, MONDO:0015356.

Submissions (2):

Labcorp Genetics (formerly Invitae), Labcorp
Classification: Uncertain significance for Hereditary breast ovarian cancer syndrome. Last evaluated: 2024-12-17. Review status: criteria provided, single submitter. Criteria: Invitae Variant Classification Sherloc (09022015). Collection method: clinical testing. Allele origin: germline.
Comment: This sequence change replaces serine, which is neutral and polar, with arginine, which is basic and polar, at codon 1432 of the BRCA2 protein (p.Ser1432Arg). This variant is not present in population databases (gnomAD no frequency). This variant has not been reported in the literature in individuals affected with BRCA2-related conditions. ClinVar contains an entry for this variant (Variation ID: 2586278). Invitae Evidence Modeling of protein sequence and biophysical properties (such as structural, functional, and spatial information, amino acid conservation, physicochemical variation, residue mobility, and thermodynamic stability) indicates that this missense variant is not expected to disrupt BRCA2 protein function with a negative predictive value of 95%. In summary, the available evidence is currently insufficient to determine the role of this variant in disease. Therefore, it has been classified as a Variant of Uncertain Significance.

Ambry Genetics
Classification: Uncertain significance for Hereditary cancer-predisposing syndrome. Last evaluated: 2023-06-28. Review status: criteria provided, single submitter. Criteria: Ambry Variant Classification Scheme 2023. Collection method: clinical testing. Allele origin: germline.
Comment: The p.S1432R variant (also known as c.4296T>A), located in coding exon 10 of the BRCA2 gene, results from a T to A substitution at nucleotide position 4296. The serine at codon 1432 is replaced by arginine, an amino acid with dissimilar properties. This amino acid position is conserved. In addition, the in silico prediction for this alteration is inconclusive. Since supporting evidence is limited at this time, the clinical significance of this alteration remains unclear.

NM_000059.4(BRCA2):c.4296T>A (p.Ser1432Arg)

Gene: BRCA2 (BRCA2 DNA repair associated; plus strand). Cytogenetic location: 13q13.1.
Variant type: single nucleotide variant.
Coding change: c.4296T>A on transcript NM_000059.4 (MANE Select); coding-DNA position 4296, T replaced by A.
Protein change: p.Ser1432Arg; replaces serine 1432 with arginine.
Molecular consequence: missense variant. On other transcripts: non-coding transcript variant (1), intron variant (2).
Genome position (GRCh38, 1-based): chr13:32,338,651, T>A. VCF-style: chr13-32338651-T-A. GRCh37 (hg19) VCF-style: chr13-32912788-T-A.
Other names: c.4296T>A, p.Ser1432Arg (NM_001406719.1, NM_001406720.1); c.1909+5264T>A (NM_001406721.1); c.425-5907T>A (NM_001406722.1); short protein forms S1432R.
Identifiers: ClinVar variation 2586278 (VCV002586278.4), dbSNP rs1064793065, ClinGen allele CA387780685.